The following is an entry in ClinVar:

ClinVar aggregate classification (germline): Uncertain significance. Review status: criteria provided, multiple submitters, no conflicts (2 of 4 stars). 2 submissions from 2 submitters: Uncertain significance (2). Last evaluated 2021-04-28.

Conditions:
Familial adenomatous polyposis 1 (FAP1). Also called: FAMILIAL ADENOMATOUS POLYPOSIS 1, ATTENUATED; POLYPOSIS, ADENOMATOUS INTESTINAL. Identifiers: MedGen C2713442, MONDO:0021056, OMIM 175100. Disease mechanism: loss of function.
Hereditary cancer-predisposing syndrome. Also called: Neoplastic Syndromes, Hereditary; Tumor predisposition; Hereditary Cancer Syndrome; Hereditary neoplastic syndrome. Identifiers: Orphanet 140162, MedGen C0027672, MeSH D009386, MONDO:0015356.

gnomAD v4.1: 1 of 1,613,948 alleles (0.000062%); highest among the groups gnomAD compares: South Asian, 0.0011%; no homozygotes.

Submissions (2):

Labcorp Genetics (formerly Invitae), Labcorp
Classification: Uncertain significance for Familial adenomatous polyposis 1. Last evaluated: 2021-04-28. Review status: criteria provided, single submitter. Criteria: Invitae Variant Classification Sherloc (09022015). Collection method: clinical testing. Allele origin: germline.
Comment: Algorithms developed to predict the effect of missense changes on protein structure and function (SIFT, PolyPhen-2, Align-GVGD) all suggest that this variant is likely to be tolerated, but these predictions have not been confirmed by published functional studies and their clinical significance is uncertain. In summary, the available evidence is currently insufficient to determine the role of this variant in disease. Therefore, it has been classified as a Variant of Uncertain Significance. This sequence change replaces glycine with alanine at codon 2633 of the APC protein (p.Gly2633Ala). The glycine residue is moderately conserved and there is a small physicochemical difference between glycine and alanine. This variant is not present in population databases (ExAC no frequency). This variant has not been reported in the literature in individuals with APC-related conditions. ClinVar contains an entry for this variant (Variation ID: 925997).

Color Diagnostics, LLC DBA Color Health
Classification: Uncertain significance for Hereditary cancer-predisposing syndrome. Last evaluated: 2019-10-21. Review status: criteria provided, single submitter. Criteria: ACMG Guidelines, 2015. Collection method: clinical testing. Allele origin: germline.
Comment: This missense variant replaces glycine with alanine at codon 2633 of the APC protein. Computational prediction suggests that this variant may not impact protein structure and function (internally defined REVEL score threshold <= 0.5, PMID: 27666373). Splice site prediction tools suggest that this variant may not impact RNA splicing. To our knowledge, functional studies have not been performed for this variant. This variant has not been reported in individuals affected with hereditary cancer in the literature. This variant has not been identified in the general population by the Genome Aggregation Database (gnomAD). The available evidence is insufficient to determine the role of this variant in disease conclusively. Therefore, this variant is classified as a Variant of Uncertain Significance.

NM_000038.6(APC):c.7898G>C (p.Gly2633Ala)

Gene: APC (APC regulator of Wnt signaling pathway; plus strand). Cytogenetic location: 5q22.2.
Variant type: single nucleotide variant.
Coding change: c.7898G>C on transcript NM_000038.6 (MANE Select); coding-DNA position 7898, G replaced by C.
Protein change: p.Gly2633Ala; replaces glycine 2633 with alanine.
Molecular consequence: missense variant.
Genome position (GRCh38, 1-based): chr5:112,843,492, G>C. VCF-style: chr5-112843492-G-C. GRCh37 (hg19) VCF-style: chr5-112179189-G-C.
Other names: c.7898G>C, p.Gly2633Ala (NM_001127510.3, NM_001354895.2); c.7844G>C, p.Gly2615Ala (NM_001127511.3); c.7952G>C, p.Gly2651Ala (NM_001354896.2); c.7928G>C, p.Gly2643Ala (NM_001354897.2); c.7823G>C, p.Gly2608Ala (NM_001354898.2); c.7814G>C, p.Gly2605Ala (NM_001354899.2); c.7775G>C, p.Gly2592Ala (NM_001354900.2); c.7721G>C, p.Gly2574Ala (NM_001354901.2); and 5 more; short protein forms G2350A, G2605A, G2608A, G2574A, G2592A, G2615A, G2643A, G2473A.
Identifiers: ClinVar variation 925997 (VCV000925997.11), dbSNP rs1766594323, ClinGen allele CA16038487.